The following is an entry in ClinVar:

NM_004612.4(TGFBR1):c.98-1G>A

Gene: TGFBR1 (transforming growth factor beta receptor 1; plus strand). Cytogenetic location: 9q22.33.
Variant type: single nucleotide variant.
Coding change: c.98-1G>A on transcript NM_004612.4 (MANE Select); the canonical splice acceptor site of the intron before coding-DNA position 98, G replaced by A.
Molecular consequence: splice acceptor variant. On other transcripts: intron variant (3).
Genome position (GRCh38, 1-based): chr9:99,128,854, G>A. VCF-style: chr9-99128854-G-A. GRCh37 (hg19) VCF-style: chr9-101891136-G-A.
Other names: c.-110-1G>A (NM_001407418.1, NM_001407423.1, NM_001407424.1 and 12 more transcripts); c.98-1G>A (NM_001306210.2, NM_001407416.1, NM_001407417.1 and 2 more transcripts); c.98-3655G>A (NM_001407436.1); c.98-9005G>A (NM_001407438.1); c.98-13682G>A (NM_001407437.1).
Identifiers: ClinVar variation 1805979 (VCV001805979.3), dbSNP rs2490104710, ClinGen allele CA374224879.

ClinVar aggregate classification (germline): Pathogenic (1 of 4 stars; one submission).

Conditions:
Multiple self-healing squamous epithelioma (MSSE). Also called: MULTIPLE SELF-HEALING SQUAMOUS EPITHELIOMA, SUSCEPTIBILITY TO. Identifiers: Orphanet 65748, MedGen C0546476, MONDO:0007566, OMIM 132800.

Allele frequency attached by ClinVar (database versions not stated): gnomAD exomes below 0.00001.
gnomAD v4.1: 1 of 1,613,564 alleles (0.000062%); highest among the groups gnomAD compares: Non-Finnish European, 0.000085%; no homozygotes.

Submission:

Victorian Clinical Genetics Services, Murdoch Childrens Research Institute
Classification: Pathogenic for Multiple self-healing squamous epithelioma. Last evaluated: 2025-02-13. Review status: criteria provided, single submitter. Criteria: ACMG Guidelines, 2015. Collection method: clinical testing. Allele origin: germline. Affected: yes.
Comment: This variant is classified as Pathogenic. Evidence in support of pathogenic classification: Splice site variant proven to affect splicing of the transcript with a known effect on protein sequence. Splicing studies show that this variant results in multiple splicing anomalies that are predicted to undergo nonsense-mediated decay (NMD) (Splicing Diagnostics, Kids Neuroscience Centre, NSW, Australia). - Variant is present in gnomAD <0.001 for a dominant condition (v4: 1 heterozygote(s), 0 homozygote(s)); Other NMD-predicted variants comparable to the one identified in this case have strong previous evidence for pathogenicity. While these variants have been reported with conflicting classifications (ClinVar), they are consistently reported as pathogenic for multiple self-healing squamous epithelioma. These individuals do not display features of Loeys–Dietz syndrome, which is exclusively caused by missense variants (PMIDs: 29706644, 33256177). Additional information: This variant is heterozygous; This gene is associated with autosomal dominant disease; This variant has no previous evidence of pathogenicity; No published segregation evidence has been identified for this variant; No published functional evidence has been identified for this variant; Loss of function is a known mechanism of disease in this gene and is associated with multiple self-healing squamous epithelioma (MSSE) (MIM#132800) (PMID: 21358634). Dominant negative is a suspected mechanism of disease in this gene and has been associated with Loeys-Dietz syndrome (LDS) (MIM#609192) (PMID: 29706644); Variants in this gene are known to have variable expressivity (PMID: 32339686).

Literature cited by the submitters: PubMed 29706644; PubMed 21358634; PubMed 32339686; PubMed 33256177.